The following is an entry in ClinVar:

ClinVar aggregate classification (germline): Uncertain significance (1 of 4 stars; one submission).

Conditions:
Familial thoracic aortic aneurysm and aortic dissection (TAAD). Also called: Thoracic aortic aneurysms and dissections. Identifiers: Orphanet 91387, MedGen C4707243, MONDO:0019625.

Allele frequency attached by ClinVar (database versions not stated): gnomAD exomes 0.00001; TOPMed 0.00001.
gnomAD v4.1: 8 of 1,433,894 alleles (0.00056%); highest among the groups gnomAD compares: Admixed American, 0.0054%; no homozygotes.

Submission:

Ambry Genetics
Classification: Uncertain significance for Familial thoracic aortic aneurysm and aortic dissection. Last evaluated: 2023-10-12. Review status: criteria provided, single submitter. Criteria: Ambry Variant Classification Scheme 2023. Collection method: clinical testing. Allele origin: germline.
Comment: The p.A67T variant (also known as c.199G>A), located in coding exon 1 of the SKI gene, results from a G to A substitution at nucleotide position 199. The alanine at codon 67 is replaced by threonine, an amino acid with similar properties. This amino acid position is conserved. In addition, this alteration is predicted to be tolerated by in silico analysis. Since supporting evidence is limited at this time, the clinical significance of this alteration remains unclear.

NM_003036.4(SKI):c.199G>A (p.Ala67Thr)

Gene: SKI (SKI proto-oncogene; plus strand). Cytogenetic location: 1p36.33.
Variant type: single nucleotide variant.
Coding change: c.199G>A on transcript NM_003036.4 (MANE Select); coding-DNA position 199, G replaced by A.
Protein change: p.Ala67Thr; replaces alanine 67 with threonine.
Molecular consequence: missense variant.
Genome position (GRCh38, 1-based): chr1:2,228,965, G>A. VCF-style: chr1-2228965-G-A. GRCh37 (hg19) VCF-style: chr1-2160404-G-A.
Other names: short protein forms A67T.
Identifiers: ClinVar variation 3223064 (VCV003223064.1), dbSNP rs1248986464, ClinGen allele CA337952295.